The following is an entry in ClinVar:

ClinVar aggregate classification (germline): Pathogenic/Likely pathogenic. Review status: criteria provided, multiple submitters, no conflicts (2 of 4 stars). 4 submissions from 4 submitters: Pathogenic (3); Likely pathogenic (1). Last evaluated 2026-08-07.

Conditions:
Hereditary cancer-predisposing syndrome. Also called: Hereditary Cancer Syndrome; Tumor predisposition; Hereditary neoplastic syndrome; Neoplastic Syndromes, Hereditary. Identifiers: Orphanet 140162, MedGen C0027672, MeSH D009386, MONDO:0015356.
Hereditary breast ovarian cancer syndrome. Also called: Hereditary breast and/or ovarian cancer syndrome; Breast and ovarian cancer; BRCA1- and BRCA2-Associated Hereditary Breast and Ovarian Cancer; Hereditary breast and ovarian cancer syndrome (HBOC); Hereditary breast and ovarian cancer syndrome; Hereditary breast and ovarian cancer. Identifiers: Orphanet 145, MedGen C0677776, MeSH D061325, MONDO:0003582. Disease mechanism: loss of function.
Breast-ovarian cancer, familial, susceptibility to, 3. Also called: RAD51C-Related Breast/Ovarian Cancer. Identifiers: Orphanet 145, MedGen C3150659, MONDO:0013253, OMIM 613399.

Submissions (4):

Ambry Genetics
Classification: Pathogenic for Hereditary cancer-predisposing syndrome. Last evaluated: 2026-08-07. Review status: criteria provided, single submitter. Criteria: Ambry Variant Classification Scheme 2023. Collection method: clinical testing. Allele origin: germline.
Comment: The p.Q178* variant (also known as c.532C>T), located in coding exon 3 of the RAD51C gene, results from a C to T substitution at nucleotide position 532. This changes the amino acid from a glutamine to a stop codon within coding exon 3. This variant is considered to be rare based on population cohorts in the Genome Aggregation Database (gnomAD). This alteration is expected to result in loss of function by premature protein truncation or nonsense-mediated mRNA decay. As such, this alteration is interpreted as a disease-causing mutation.

Women's Health and Genetics/Laboratory Corporation of America, LabCorp
Classification: Pathogenic for Hereditary breast ovarian cancer syndrome. Last evaluated: 2023-07-27. Review status: criteria provided, single submitter. Criteria: LabCorp Variant Classification Summary - May 2015. Collection method: clinical testing. Allele origin: germline.
Comment: Variant summary: RAD51C c.532C>T (p.Gln178X) results in a premature termination codon, predicted to cause a truncation of the encoded protein or absence of the protein due to nonsense mediated decay, which are commonly known mechanisms for disease. Variants downstream of this position have been classified as pathogenic by our laboratory. The variant was absent in 251476 control chromosomes (gnomAD). c.532C>T has been reported in the literature in at least one individual affected with Hereditary Breast And Ovarian Cancer Syndrome (Bagherzadeh_2020). These data indicate that the variant is likely to be associated with disease. To our knowledge, no experimental evidence demonstrating an impact on protein function has been reported. The following publication have been ascertained in the context of this evaluation (PMID: 32809180). One submitter has cited clinical-significance assessments for this variant to ClinVar after 2014 and has classified the variant as pathogenic. Based on the evidence outlined above, the variant was classified as pathogenic.

Baylor Genetics
Classification: Likely pathogenic for Breast-ovarian cancer, familial, susceptibility to, 3. Last evaluated: 2022-07-12. Review status: criteria provided, single submitter. Criteria: ACMG Guidelines, 2015. Collection method: clinical testing. Allele origin: unknown.

GeneDx
Classification: Pathogenic. Last evaluated: 2015-01-19. Review status: criteria provided, single submitter. Criteria: GeneDx Variant Classification (06012015). Collection method: clinical testing. Allele origin: germline. Affected: yes.
Comment: This pathogenic variant is denoted RAD51C c.532C>T at the cDNA level and p.Gln178Ter (Q178X) at the protein level. The substitution creates a nonsense variant, which changes a Glutamine to a premature stop codon (CAG>TAG), and is predicted to cause loss of normal protein function through either protein truncation or nonsense-mediated mRNA decay. Although this variant has not, to our knowledge, been reported in the literature, it is considered pathogenic. RAD51C has been only recently described in association with cancer predisposition and the risks are not well understood. Based on available data, the presence of a RAD51C mutation may confer an increased risk for female breast cancer and ovarian cancer (Meindl 2010, Loveday 2012, Pennington 2014). Meindl et al. (2010) first reported this association in a cohort of 1,100 unrelated German women affected with cancer from hereditary breast cancer families or hereditary breast and ovarian cancer families. Six RAD51C pathogenic variants were identified in the group of families where both breast and ovarian cancer were present (n=480). No RAD51C mutations were identified in the families with breast cancer only or in nearly 3,000 controls. Another study looked only for RAD51C large deletions in breast and ovarian cancer families, 500 of which were positive only for breast cancer and another 325 positive for both breast and ovarian cancer. Two independent families were identified: one family was from the breast cancer only cohort (1/500) while the other was from the breast and ovarian cancer cohort (1/325). Overall, the consensus tends to be that RAD51C mutations are more commonly found in families with a history of both breast and ovarian cancer and seem to be rare in families reporting only breast cancer (Thompson 2012, Osorio 2012). The breast cancer pathology from three RAD51C mutation positive women was compared and proven to all be fairly similar: intermediate to high-grade, invasive ductal carcinoma and triple negative (Schnurbein 2013). Loveday et al. (2012) identified 12 truncating RAD51C mutations, 9 of which were found in a cohort of 1,132 index cases with familial ovarian cancer and 3 in a cohort of 272 unselected cases of ovarian cancer. One mutation was identified in the group of 1,156 population-based controls. This study estimated that women with a RAD51C mutation have a 5.9-fold increased risk of ovarian cancer (Loveday 2012). Pennington et al. (2014) also identified a germline RAD51C mutation in 3 of 367 patients, unselected for family history, who had a personal history of ovarian cancer, peritoneal cancer, or fallopian tube cancer. Three additional studies were not able to confirm the role of RAD51C mutations in hereditary breast and ovarian cancer (Akbari 2010, DeLeeneer 2012, Zheng 2010). Fanconi Anemia (FA) is a rare autosomal recessive condition that can be caused by two mutations (one affecting each allele) in the RAD51C gene. This condition is characterized by an increased risk for malignancy in children including leukemia and certain solid tumors as well as physical abnormalities and bone marrow failure. If a RAD51C mutation carrier'spartner is also a carrier for a RAD51C mutation, the risk to have a child with FA is 25% for each pregnancy.

Literature cited by the submitters: PubMed 32809180 (cited by Women's Health and Genetics/Laboratory Corporation of America, LabCorp).

NM_058216.3(RAD51C):c.532C>T (p.Gln178Ter)

Gene: RAD51C (RAD51 paralog C; plus strand). Cytogenetic location: 17q22.
Variant type: single nucleotide variant.
Coding change: c.532C>T on transcript NM_058216.3 (MANE Select); coding-DNA position 532, C replaced by T.
Protein change: p.Gln178Ter; replaces glutamine 178 with a stop codon.
Molecular consequence: nonsense.
Genome position (GRCh38, 1-based): chr17:58,696,820, C>T. VCF-style: chr17-58696820-C-T. GRCh37 (hg19) VCF-style: chr17-56774181-C-T.
Other names: c.532C>T (NM_058216.2, LRG_314t1); short protein forms Q178*.
Identifiers: ClinVar variation 545960 (VCV000545960.5), dbSNP rs1555594861, ClinGen allele CA400345195.